The following is an entry in ClinVar:

NM_002439.5(MSH3):c.1980T>A (p.Asn660Lys)

Gene: MSH3 (mutS homolog 3; plus strand). Cytogenetic location: 5q14.1.
Variant type: single nucleotide variant.
Coding change: c.1980T>A on transcript NM_002439.5 (MANE Select); coding-DNA position 1980, T replaced by A.
Protein change: p.Asn660Lys; replaces asparagine 660 with lysine.
Molecular consequence: missense variant.
Genome position (GRCh38, 1-based): chr5:80,768,016, T>A. VCF-style: chr5-80768016-T-A. GRCh37 (hg19) VCF-style: chr5-80063835-T-A.
Other names: short protein forms N660K.
Identifiers: ClinVar variation 1476223 (VCV001476223.8), dbSNP rs2112884382, ClinGen allele CA360277622.
Genomic context (GRCh38, chr5:80,768,016, plus strand): 5'-GATTGTCAAAACTTTATATCACCTAAAGTCAGAATTTCAAGCAATAATACCTGCTGTTAA[T>A]TCCCACATTCAGTCAGACTTGCTCCGGACCGTTATTTTAGAAATTCCTGAACTCCTCAGT-3'
Protein context (NP_002430.3, residues 650-670): SEFQAIIPAV[Asn660Lys]SHIQSDLLRT

ClinVar aggregate classification (germline): Uncertain significance (1 of 4 stars; one submission).

Submission:

Labcorp Genetics (formerly Invitae), Labcorp
Classification: Uncertain significance. Last evaluated: 2021-05-17. Review status: criteria provided, single submitter. Criteria: Invitae Variant Classification Sherloc (09022015). Collection method: clinical testing. Allele origin: germline.
Comment: In summary, the available evidence is currently insufficient to determine the role of this variant in disease. Therefore, it has been classified as a Variant of Uncertain Significance. Algorithms developed to predict the effect of missense changes on protein structure and function (SIFT, PolyPhen-2, Align-GVGD) all suggest that this variant is likely to be tolerated, but these predictions have not been confirmed by published functional studies and their clinical significance is uncertain. This variant has not been reported in the literature in individuals with MSH3-related conditions. This variant is not present in population databases (ExAC no frequency). This sequence change replaces asparagine with lysine at codon 660 of the MSH3 protein (p.Asn660Lys). The asparagine residue is moderately conserved and there is a moderate physicochemical difference between asparagine and lysine.